The following is an entry in ClinVar:

NM_007076.3(FICD):c.753C>T (p.Tyr251=)

Gene: FICD (FIC domain protein adenylyltransferase; plus strand). Cytogenetic location: 12q23.3.
Variant type: single nucleotide variant.
Coding change: c.753C>T on transcript NM_007076.3 (MANE Select); coding-DNA position 753, C replaced by T.
Protein change: p.Tyr251=; no amino-acid change (tyrosine 251 retained).
Molecular consequence: synonymous variant.
Genome position (GRCh38, 1-based): chr12:108,518,851, C>T. VCF-style: chr12-108518851-C-T. GRCh37 (hg19) VCF-style: chr12-108912628-C-T.
Identifiers: ClinVar variation 4872368 (VCV004872368.2).

ClinVar aggregate classification (germline): Likely benign (1 of 4 stars; one submission).

gnomAD v4.1: 912 of 1,614,174 alleles (0.056%); highest among the groups gnomAD compares: Non-Finnish European, 0.05%; 3 homozygotes.

Submission:

CeGaT Center for Human Genetics Tuebingen
Classification: Likely benign. Last evaluated: 2026-05-01. Review status: criteria provided, single submitter. Criteria: CeGaT Center For Human Genetics Tuebingen Variant Classification Criteria Version 2. Collection method: clinical testing. Allele origin: germline. Affected: yes. Observed: 1 variant allele.
Comment: FICD: BP4, BP7